The following is an entry in ClinVar:

NM_017763.6(RNF43):c.2047C>T (p.His683Tyr)

Gene: RNF43 (ring finger protein 43; minus strand). Cytogenetic location: 17q22.
Variant type: single nucleotide variant.
Coding change: c.2047C>T on transcript NM_017763.6 (MANE Select); coding-DNA position 2047, C replaced by T.
Protein change: p.His683Tyr; replaces histidine 683 with tyrosine.
Molecular consequence: missense variant.
Genome position (GRCh38, 1-based): chr17:58,357,729, G>A on the plus strand (C>T on the coding strand, the complement: RNF43 is on the minus strand). VCF-style: chr17-58357729-G-A. GRCh37 (hg19) VCF-style: chr17-56435090-G-A.
Other names: c.2047C>T, p.His683Tyr (NM_001438821.1, NM_001438822.1, NM_001305544.3 and 1 more transcripts); c.1666C>T, p.His556Tyr (NM_001305545.2, NM_001437987.1); short protein forms H683Y, H556Y.
Identifiers: ClinVar variation 4155748 (VCV004155748.1).

ClinVar aggregate classification (germline): Uncertain significance (1 of 4 stars; one submission).

Submission:

Ambry Genetics
Classification: Uncertain significance. Last evaluated: 2025-07-14. Review status: criteria provided, single submitter. Criteria: Ambry Variant Classification Scheme 2023. Collection method: clinical testing. Allele origin: germline.
Comment: The p.H683Y variant (also known as c.2047C>T), located in coding exon 8 of the RNF43 gene, results from a C to T substitution at nucleotide position 2047. The histidine at codon 683 is replaced by tyrosine, an amino acid with similar properties. This amino acid position is conserved. In addition, this alteration is predicted to be tolerated by in silico analysis. Based on the available evidence, the clinical significance of this variant remains unclear.